The following is an entry in ClinVar:

NM_002474.3(MYH11):c.3300C>T (p.Asp1100=)

Gene: MYH11 (myosin heavy chain 11; minus strand). Cytogenetic location: 16p13.11.
Variant type: single nucleotide variant.
Coding change: c.3300C>T on transcript NM_002474.3 (MANE Select); coding-DNA position 3300, C replaced by T.
Protein change: p.Asp1100=; no amino-acid change (aspartic acid 1100 retained).
Molecular consequence: synonymous variant.
Genome position (GRCh38, 1-based): chr16:15,735,572, G>A on the plus strand (C>T on the coding strand, the complement: MYH11 is on the minus strand). VCF-style: chr16-15735572-G-A. GRCh37 (hg19) VCF-style: chr16-15829429-G-A.
Other names: c.3321C>T, p.Asp1107= (NM_001040113.2, NM_001040114.2); c.3300C>T, p.Asp1100= (NM_022844.3).
Identifiers: ClinVar variation 534172 (VCV000534172.18), dbSNP rs761918065, ClinGen allele CA7922021.

ClinVar aggregate classification (germline): Likely benign. Review status: criteria provided, multiple submitters, no conflicts (2 of 4 stars). 6 submissions from 6 submitters: Likely benign (6). Last evaluated 2025-09-30.

Conditions:
Aortic aneurysm, familial thoracic 4 (AAT4). Also called: AORTIC ANEURYSM/AORTIC DISSECTION AND PATENT DUCTUS ARTERIOSUS. Identifiers: MedGen C1851504, MONDO:0007568, OMIM 132900.
Familial thoracic aortic aneurysm and aortic dissection (TAAD). Also called: Thoracic aortic aneurysms and dissections. Identifiers: Orphanet 91387, MedGen C4707243, MONDO:0019625.

Allele frequency attached by ClinVar (database versions not stated): ExAC 0.00001; gnomAD 0.00001; gnomAD exomes 0.00002; TOPMed 0.00003.
gnomAD v4.1: 88 of 1,614,034 alleles (0.0055%); highest among the groups gnomAD compares: Middle Eastern, 0.049%; no homozygotes.

Submissions (6):

Labcorp Genetics (formerly Invitae), Labcorp
Classification: Likely benign for Aortic aneurysm, familial thoracic 4. Last evaluated: 2025-09-30. Review status: criteria provided, single submitter. Criteria: Invitae Variant Classification Sherloc (09022015). Collection method: clinical testing. Allele origin: germline.

All of Us Research Program, National Institutes of Health
Classification: Likely benign for Familial thoracic aortic aneurysm and aortic dissection. Last evaluated: 2024-01-11. Review status: criteria provided, single submitter. Criteria: ACMG Guidelines, 2015. Collection method: clinical testing. Allele origin: germline. Inheritance: Autosomal dominant inheritance. Observed: 4 variant alleles, 4 heterozygotes.
Comment: This study involves interpretation of variants in research participants for the purpose of population health screening. Participant phenotype was not available at the time of variant classification. Additional details can be found in publication PMID: 35346344, PMCID: PMC8962531

CHEO Genetics Diagnostic Laboratory, Children's Hospital of Eastern Ontario
Classification: Likely benign for Familial thoracic aortic aneurysm and aortic dissection. Last evaluated: 2023-04-26. Review status: criteria provided, single submitter. Criteria: ACMG Guidelines, 2015. Collection method: clinical testing. Allele origin: germline.

Blueprint Genetics
Classification: Likely benign. Last evaluated: 2023-04-19. Review status: criteria provided, single submitter. Criteria: ACMG Guidelines, 2015. Collection method: clinical testing. Allele origin: germline.

Ambry Genetics
Classification: Likely benign for Familial thoracic aortic aneurysm and aortic dissection. Last evaluated: 2020-03-11. Review status: criteria provided, single submitter. Criteria: Ambry Variant Classification Scheme 2023. Collection method: clinical testing. Allele origin: germline.

Color Diagnostics, LLC DBA Color Health
Classification: Likely benign for Familial thoracic aortic aneurysm and aortic dissection. Last evaluated: 2019-05-04. Review status: criteria provided, single submitter. Criteria: ACMG Guidelines, 2015. Collection method: clinical testing. Allele origin: germline.